The following is an entry in ClinVar:

ClinVar aggregate classification (germline): Uncertain significance (1 of 4 stars; one submission).

Conditions:
Oligodontia-cancer predisposition syndrome. Also called: TOOTH AGENESIS-COLORECTAL CANCER SYNDROME. Identifiers: Orphanet 300576, MedGen C1837750, MONDO:0012075, OMIM 608615. Disease mechanism: loss of function.

Submission:

Labcorp Genetics (formerly Invitae), Labcorp
Classification: Uncertain significance for Oligodontia-cancer predisposition syndrome. Last evaluated: 2023-10-20. Review status: criteria provided, single submitter. Criteria: Invitae Variant Classification Sherloc (09022015). Collection method: clinical testing. Allele origin: germline.
Comment: This sequence change creates a premature translational stop signal (p.Lys633Asnfs*56) in the AXIN2 gene. Loss-of-function variants in AXIN2 are known to be pathogenic (PMID: 21416598, 15042511). However, tissue-specific alternative splicing of AXIN2 gene results in functional isoform lacking in-frame exon 7 (also known as exon 6, PMID: 15735151). For this reason the clinical significance of loss of function variants in exon 7 is currently uncertain. This variant is not present in population databases (gnomAD no frequency). This variant has not been reported in the literature in individuals affected with AXIN2-related conditions. In summary, the available evidence is currently insufficient to determine the role of this variant in disease. Therefore, it has been classified as a Variant of Uncertain Significance.

Literature cited by the submitters: PubMed 21416598; PubMed 15042511.

NM_004655.4(AXIN2):c.1899del (p.Lys633fs)

Gene: AXIN2 (axin 2; minus strand). Cytogenetic location: 17q24.1.
Variant type: Deletion.
Coding change: c.1899del on transcript NM_004655.4 (MANE Select); coding-DNA position 1899, one base deleted (G; older notation c.1899delG).
Protein change: p.Lys633fs; shifts the reading frame from lysine 633.
Molecular consequence: frameshift variant. On other transcripts: intron variant (1).
Genome position (GRCh38, 1-based): chr17:65,536,877, C deleted on the plus strand (G on the coding strand, the reverse complement: AXIN2 is on the minus strand). VCF-style (leftmost placement, unchanged base first): chr17-65536876-GC-G. GRCh37 (hg19) VCF-style: chr17-63532994-GC-G.
Other names: c.1713-324del (NM_001363813.1); short protein forms K633fs.
Identifiers: ClinVar variation 2770198 (VCV002770198.3), dbSNP rs2509406583, ClinGen allele CA2697555091.